The following is an entry in ClinVar:

NM_001297.5(CNGB1):c.1401G>A (p.Val467=)

Gene: CNGB1 (cyclic nucleotide gated channel subunit beta 1; minus strand). Cytogenetic location: 16q21.
Variant type: single nucleotide variant.
Coding change: c.1401G>A on transcript NM_001297.5 (MANE Select); coding-DNA position 1401, G replaced by A.
Protein change: p.Val467=; no amino-acid change (valine 467 retained).
Molecular consequence: synonymous variant.
Genome position (GRCh38, 1-based): chr16:57,931,850, C>T on the plus strand (G>A on the coding strand, the complement: CNGB1 is on the minus strand). VCF-style: chr16-57931850-C-T. GRCh37 (hg19) VCF-style: chr16-57965754-C-T.
Other names: c.1383G>A, p.Val461= (NM_001286130.2).
Identifiers: ClinVar variation 1077251 (VCV001077251.12), dbSNP rs762031587, ClinGen allele CA8083438.

ClinVar aggregate classification (germline): Likely benign. Review status: criteria provided, multiple submitters, no conflicts (2 of 4 stars). 3 submissions from 3 submitters: Likely benign (3). Last evaluated 2026-04-01.

Allele frequency attached by ClinVar (database versions not stated): gnomAD exomes 0.00007 and 0.00012; ExAC 0.00011; gnomAD 0.00015; TOPMed 0.00017.
gnomAD v4.1: 131 of 1,614,012 alleles (0.0081%); highest among the groups gnomAD compares: Middle Eastern, 0.066%; 2 homozygotes.

Submissions (3):

CeGaT Center for Human Genetics Tuebingen
Classification: Likely benign. Last evaluated: 2026-04-01. Review status: criteria provided, single submitter. Criteria: CeGaT Center For Human Genetics Tuebingen Variant Classification Criteria Version 2. Collection method: clinical testing. Allele origin: germline. Affected: yes. Observed: 1 variant allele.
Comment: CNGB1: BP4, BP7

Labcorp Genetics (formerly Invitae), Labcorp
Classification: Likely benign. Last evaluated: 2026-01-26. Review status: criteria provided, single submitter. Criteria: Invitae Variant Classification Sherloc (09022015). Collection method: clinical testing. Allele origin: germline.

Blueprint Genetics
Classification: Likely benign. Last evaluated: 2023-09-11. Review status: criteria provided, single submitter. Criteria: ACMG Guidelines, 2015. Collection method: clinical testing. Allele origin: germline.